The following is an entry in ClinVar:

ClinVar aggregate classification (germline): Uncertain significance. Review status: criteria provided, multiple submitters, no conflicts (2 of 4 stars). 4 submissions from 4 submitters: Uncertain significance (3). 1 of the submissions does not count toward it. Last evaluated 2026-07-14.

Conditions:
COACH syndrome 3. Identifiers: MedGen C5436841, MONDO:0030862, OMIM 619113.
Meckel syndrome, type 5 (MKS5). Identifiers: Orphanet 564, MedGen C1969052, MONDO:0012695, OMIM 611561.
Joubert syndrome 7 (JBTS7). Identifiers: Orphanet 220497, MedGen C1969053, MONDO:0012694, OMIM 611560.
RPGRIP1L-related disorder. Also called: RPGRIP1L-related disorders; RPGRIP1L-related condition. Identifiers: MedGen CN239416.
Joubert syndrome. Also called: Familial aplasia of the vermis; JOUBERT-BOLTSHAUSER SYNDROME. Identifiers: Orphanet 475, MedGen C5979921, MONDO:0018772.
Meckel-Gruber syndrome. Also called: DYSENCEPHALIA SPLANCHNOCYSTICA; GRUBER SYNDROME; Dysencephalia splachnocystica. Identifiers: Orphanet 564, MedGen C0265215, MONDO:0018921.

Allele frequency attached by ClinVar (database versions not stated): gnomAD exomes 0.00001.
gnomAD v4.1: 18 of 1,613,572 alleles (0.0011%); highest among the groups gnomAD compares: Non-Finnish European, 0.0014%; no homozygotes.

Submissions (4):

PreventionGenetics, part of Exact Sciences
Classification: Uncertain significance for RPGRIP1L-related condition. Last evaluated: 2026-07-14. Review status: criteria provided, single submitter. Criteria: ACMG Guidelines, 2015. Collection method: clinical testing. Allele origin: germline.
Comment: The RPGRIP1L c.237A>G variant is predicted to result in extension of the open reading frame (p.*79Trpext*1). This variant is referred to as c.230+7A>G (Intronic) in the alternate transcript NM_015272. To our knowledge, this variant has not been reported in the literature or in a large population database (gnomAD), indicating this variant is rare. At this time, the clinical significance of this variant is uncertain due to the absence of conclusive functional and genetic evidence.

Fulgent Genetics
Classification: Uncertain significance for Joubert syndrome 7; Meckel syndrome, type 5; COACH syndrome 3. Last evaluated: 2024-02-05. Review status: criteria provided, single submitter. Criteria: ACMG Guidelines, 2015. Collection method: clinical testing. Allele origin: germline.

Labcorp Genetics (formerly Invitae), Labcorp
Classification: Uncertain significance for Joubert syndrome; Meckel-Gruber syndrome. Last evaluated: 2022-01-21. Review status: criteria provided, single submitter. Criteria: Invitae Variant Classification Sherloc (09022015). Collection method: clinical testing. Allele origin: germline.
Comment: This sequence change falls in intron 3 of the RPGRIP1L gene. It does not directly change the encoded amino acid sequence of the RPGRIP1L protein. This variant is not present in population databases (gnomAD no frequency). This variant has not been reported in the literature in individuals affected with RPGRIP1L-related conditions. ClinVar contains an entry for this variant (Variation ID: 1035910). Algorithms developed to predict the effect of sequence changes on RNA splicing suggest that this variant may create or strengthen a splice site. In summary, the available evidence is currently insufficient to determine the role of this variant in disease. Therefore, it has been classified as a Variant of Uncertain Significance.

Natera, Inc.
Classification: Uncertain significance for Joubert syndrome. Last evaluated: 2021-01-11. Review status: no assertion criteria provided. Collection method: clinical testing. Allele origin: germline. Not counted in ClinVar's aggregate classification.

NM_015272.5(RPGRIP1L):c.230+7A>G

Gene: RPGRIP1L (RPGRIP1 like; minus strand). Cytogenetic location: 16q12.2.
Variant type: single nucleotide variant.
Coding change: c.230+7A>G on transcript NM_015272.5 (MANE Select); 7 bases into the intron after coding-DNA position 230, A replaced by G.
Molecular consequence: intron variant. On other transcripts: stop lost (1).
Genome position (GRCh38, 1-based): chr16:53,696,144, T>C on the plus strand (A>G on the coding strand, the complement: RPGRIP1L is on the minus strand). VCF-style: chr16-53696144-T-C. GRCh37 (hg19) VCF-style: chr16-53730056-T-C.
Other names: c.237A>G (NM_001328423.1); c.237A>G, p.Ter79Trp (NM_001328423.2); c.230+7A>G (NM_001127897.4, NM_001330538.2, NM_001308334.3 and 1 more transcripts).
Identifiers: ClinVar variation 1035910 (VCV001035910.5), dbSNP rs1970740052, ClinGen allele CA395925660.
Genomic context (GRCh38, chr16:53,696,144, plus strand): 5'-TATAAAATACCATACCCTCCAAATTTTACTGAGTCAAGAAAAAAAGCTAAAAGCTTTTTA[T>C]CATAACCTTTTAATTTTATCCTCCTGCTTGCGGGCATGCTGTTTAAGTAAAATGTTCTCA-3'